The following is an entry in ClinVar:

NM_000173.7(GP1BA):c.1845_1849del (p.Asn616fs)

Genes: GP1BA (glycoprotein Ib platelet subunit alpha; plus strand), LOC130060044 (ATAC-STARR-seq lymphoblastoid active region 11554; plus strand). Cytogenetic location: 17p13.2.
Variant type: Deletion.
Coding change: c.1845_1849del on transcript NM_000173.7 (MANE Select); coding-DNA positions 1845 to 1849, 5 bases deleted (TAATG; older notation c.1845_1849delTAATG).
Protein change: p.Asn616fs; shifts the reading frame from asparagine 616.
Molecular consequence: frameshift variant.
Genome position (GRCh38, 1-based): chr17:4,934,449-4,934,453, TAATG deleted. VCF-style (leftmost placement, unchanged base first): chr17-4934448-CTAATG-C. GRCh37 (hg19) VCF-style: chr17-4837743-CTAATG-C.
Other names: NM_000173.7(GP1BA):c.1845_1849del; p.Asn616fs; p.Asn616Profs*29; c.1845_1849delTAATG (NM_000173.6, NM_000173.7); c.1845_1849del5 (NM_000173.6); short protein forms N616fs.
Identifiers: ClinVar variation 1338214 (VCV001338214.20), dbSNP rs772106076, ClinGen allele CA8315085.

ClinVar aggregate classification (germline): Likely benign. Review status: reviewed by expert panel (3 of 4 stars). 11 submissions from 11 submitters: Likely benign (1). 10 of the submissions do not count toward it. Last evaluated 2025-02-18.

Conditions:
Nonarteritic anterior ischemic optic neuropathy, susceptibility to (NAION). Also called: NAION, SUSCEPTIBILITY TO; OPTIC NEUROPATHY, ANTERIOR ISCHEMIC, SUSCEPTIBILITY TO. Identifiers: MedGen C1847711, MONDO:0009789, OMIM 258660.
Pseudo von Willebrand disease (VWDP). Also called: BLEEDING DISORDER, PLATELET-TYPE, 3; Platelet-type von Willebrand disease. Identifiers: Orphanet 52530, MedGen C1280798, MONDO:0008332, OMIM 177820.
Bernard-Soulier syndrome, type A2, autosomal dominant (BSSA2). Also called: Bernard-Soulier syndrome, type A2 (dominant). Identifiers: Orphanet 274, MedGen C3277076, MONDO:0007930, OMIM 153670.
Bernard Soulier syndrome (BSS). Also called: BLEEDING DISORDER, PLATELET-TYPE, 1; GLYCOPROTEIN Ib, PLATELET, DEFICIENCY OF; Giant platelet syndrome; Hemorrhagiparous thrombocytic dystrophy; Giant platelet disease; PLATELET GLYCOPROTEIN Ib DEFICIENCY. Identifiers: Orphanet 274, MedGen C0005129, MeSH D001606, MONDO:0009276, OMIM 231200.
GP1BA-related disorder. Also called: GP1BA-related condition.

Allele frequency attached by ClinVar (database versions not stated): TOPMed 0.00039; gnomAD exomes 0.00040 and 0.00072; ExAC 0.00042; ESP Exome Variant Server 0.00051; gnomAD 0.00051 and 0.00053.

Submissions (11):

ClinGen Platelet Disorders Variant Curation Expert Panel, ClinGen
Classification: Likely benign for Bernard Soulier syndrome. Last evaluated: 2025-02-18. Review status: reviewed by expert panel. Criteria: ClinGen Platelet ACMG Specifications GP1BA V1.0.0. Collection method: curation. Allele origin: germline. Inheritance: Autosomal recessive inheritance.
Comment: The variant NM_000173.7(GP1BA):c.1845_1849del is a frameshift variant predicted to cause a premature stop codon and remove <2% of the protein (PVS1_moderate). This variant is reported in two patients with abnormal bleeding (PMID: 28748566 and internal data) but insufficient information was available to determine if the phenotype was specific to Bernard Soulier syndrome. The Grpmax filtering allele frequency in gnomAD v4.1 is 0.0008013 (997/1179914 alleles) in the European (non-Finnish) population, which is higher than the ClinGen PD VCEP threshold (>0.0005 for GP1BA), and therefore meets this criterion (BS1). In summary, the variant can be classified as Likely Benign, based off the ACMG criteria applied: BS1 and PVS1_moderate; conflicting evidence was evaluated using the point system described by Tavtigian, et al. 2020 (PMID: 32720330). (PD VCEP GP1BA specifications v1)

PreventionGenetics, part of Exact Sciences
Classification: Uncertain significance for GP1BA-related condition. Last evaluated: 2026-03-19. Review status: criteria provided, single submitter. Criteria: ACMG Guidelines, 2015. Collection method: clinical testing. Allele origin: germline. Not counted in ClinVar's aggregate classification.
Comment: The GP1BA c.1845_1849del5 variant is predicted to result in a frameshift and premature protein termination (p.Asn616Profs*29). This variant has been reported in individuals with abnormal bleeding and with thrombocytopenia/neutropenia; however, the reports lacked clear evidence of pathogenicity and diagnosis (Table S2, Leinøe et al. 2017. PubMed ID: 28748566; Table S2, Lin et al. 2024. PubMed ID: 38103590). This variant is expected to disrupt the last 37 amino acids (5.7%) of the protein. This variant is reported in 0.10% of alleles in individuals of European (Finnish) descent in gnomAD which is considered high for the conditions associated with GP1BA. This variant has conflicting interpretations in ClinVar, ranging from likely benign by ClinGen Platelet Disorders Variant Curation Expert Panel to uncertain by other submitters (Variation ID: 1338214). Two overlapping variants (c.1846_1852del, p.Asn616Valfs*5; c.1845_1848del, p.Asn616Alafs*6) are reported as pathogenic or likely pathogenic in ClinVar (Variation ID: 1703858; 1679215). Although we suspect that this variant may be benign, at this time, the clinical significance of this variant is uncertain due to the absence of conclusive functional and genetic evidence.

Mayo Clinic Laboratories, Mayo Clinic
Classification: Uncertain significance. Last evaluated: 2025-10-14. Review status: criteria provided, single submitter. Criteria: ACMG Guidelines, 2015. Collection method: clinical testing. Allele origin: germline. Observed: 2 variant alleles. Not counted in ClinVar's aggregate classification.
Comment: BS1_supporting, PVS1_moderate

Women's Health and Genetics/Laboratory Corporation of America, LabCorp
Classification: Uncertain significance. Last evaluated: 2025-08-11. Review status: criteria provided, single submitter. Criteria: LabCorp Variant Classification Summary - May 2015. Collection method: clinical testing. Allele origin: germline. Not counted in ClinVar's aggregate classification.
Comment: Variant summary: GP1BA c.1845_1849delTAATG (p.Asn616ProfsX29) results in a premature termination codon, predicted to cause a truncation of the encoded protein. No downstream pathogenic variants have been reported at our lab. The variant allele was found at a frequency of 0.0004 in 249006 control chromosomes, predominantly at a frequency of 0.00072 within the Non-Finnish European subpopulation in the gnomAD database. This frequency is not significantly higher than estimated for a pathogenic variant in GP1BA causing Bernard-Soulier Syndrome, Type A2, Autosomal Dominant, allowing no conclusion about variant significance. c.1845_1849delTAATG has been reported in the literature in individuals affected with Bernard-Soulier Syndrome, Type A2, Autosomal Dominant without evidence for causality (examples, Janicki_2017). These reports do not provide unequivocal conclusions about association of the variant with Bernard-Soulier Syndrome, Type A2, Autosomal Dominant. To our knowledge, no experimental evidence demonstrating an impact on protein function has been reported. The following publications have been ascertained in the context of this evaluation (PMID: 29232918, 28748566, 38103590). ClinVar contains an entry for this variant (Variation ID: 1338214). Based on the evidence outlined above, the variant was classified as uncertain significance.

Blueprint Genetics
Classification: Uncertain significance. Last evaluated: 2024-11-19. Review status: criteria provided, single submitter. Criteria: ACMG Guidelines, 2015. Collection method: clinical testing. Allele origin: germline. Not counted in ClinVar's aggregate classification.

GeneDx
Classification: Uncertain significance. Last evaluated: 2024-05-07. Review status: criteria provided, single submitter. Criteria: GeneDx Variant Classification Process June 2021. Collection method: clinical testing. Allele origin: germline. Not counted in ClinVar's aggregate classification.
Comment: Identified as homozygous in one individual and heterozygous in 723 individuals by exome sequencing of 453,787 participants in a Biobank trait association study in the literature (PMID: 34662886); Frameshift variant predicted to result in abnormal protein length as the last 37 amino acids are replaced with 28 different amino acids; This variant is associated with the following publications: (PMID: 34662886)

Clinical Genetics Laboratory, Skane University Hospital Lund
Classification: Uncertain significance. Last evaluated: 2023-11-16. Review status: criteria provided, single submitter. Criteria: ACMG Guidelines, 2015. Collection method: clinical testing. Allele origin: germline. Affected: yes. Not counted in ClinVar's aggregate classification.

Genetics and Molecular Pathology, SA Pathology
Classification: Uncertain significance for Bernard Soulier syndrome. Last evaluated: 2023-05-08. Review status: criteria provided, single submitter. Criteria: ACMG Guidelines, 2015. Collection method: clinical testing. Allele origin: germline. Affected: yes. Not counted in ClinVar's aggregate classification.
Comment: The GP1BA c.1845_1849del variant is classified as VUS (PM2, PM4) This GP1BA c.1845_1849del variant is located in exon 2/2 and is predicted to cause a shift in the reading frame at codon 616. The variant is rare in population databases (gnomAD allele frequency = 0.049%; 76 het and 0 hom in 152270 sequenced alleles; highest frequency = 0.070%, Non-Finnish European population) (PM2). The variant has been reported in dbSNP (rs772106076) and in the HGMD database: CD2127686. It has been reported as Uncertain significance by other diagnostic laboratories (ClinVar Variation ID: 1338214).

Fulgent Genetics
Classification: Uncertain significance for Bernard-Soulier syndrome, type A2, autosomal dominant; Pseudo von Willebrand disease; Bernard Soulier syndrome; Nonarteritic anterior ischemic optic neuropathy, susceptibility to. Last evaluated: 2022-01-27. Review status: criteria provided, single submitter. Criteria: ACMG Guidelines, 2015. Collection method: clinical testing. Allele origin: unknown. Not counted in ClinVar's aggregate classification.

Genetic Services Laboratory, University of Chicago
Classification: Uncertain significance. Last evaluated: 2021-02-19. Review status: criteria provided, single submitter. Criteria: ACMG Guidelines, 2015. Collection method: clinical testing. Allele origin: germline. Affected: no. Not counted in ClinVar's aggregate classification.
Comment: This sequence change results in an amino acid frameshift and creates a premature stop codon 28 amino acids downstream of the change, p.Asn616Profs*29. This sequence change is present in the last exon of the gene and is not predicted to trigger nonsense mediated decay and may impact only last few amino acids of the resultant protein. This sequence change does not appear to have been previously described in patients with GP1BA-related disorders; however, the majority of the reported variants have been described upstream to this position. This sequence change has been described in the gnomAD database with a population frequency of 0.045% in (dbSNP rs772106076); it has been observed in 125 individuals in the heterozygous state. The functional significance of this sequence change is not known at present. Due to its presence in the last exon of the gene and this truncating variant occurring further downstream than the other truncating variants described to date, the clinical significance of the p.Asn616Profs*29 change remains unknown at this time.

ISTH-SSC Genomics in Thrombosis and Hemostasis, KU Leuven, Center for Molecular and Vascular Biology
Classification: Uncertain significance for Bernard Soulier syndrome. Last evaluated: 2023-06-01. Review status: no assertion criteria provided. Collection method: research. Allele origin: unknown. Affected: yes. Not counted in ClinVar's aggregate classification.
Comment: Submitted to GoldVariant by Dr Marie-Christine Morel-Kopp from Northern Blood Research Centre, Sydney, Australia

Literature cited by the submitters: PubMed 25807282 (cited by Mayo Clinic Laboratories, Mayo Clinic); PubMed 28748566 (cited by Mayo Clinic Laboratories, Mayo Clinic and Women's Health and Genetics/Laboratory Corporation of America, LabCorp); PubMed 34662886 (cited by Mayo Clinic Laboratories, Mayo Clinic); PubMed 38103590 (cited by Mayo Clinic Laboratories, Mayo Clinic and Women's Health and Genetics/Laboratory Corporation of America, LabCorp); PubMed 39076726 (cited by Mayo Clinic Laboratories, Mayo Clinic); PubMed 29232918 (cited by Women's Health and Genetics/Laboratory Corporation of America, LabCorp).